The following is an entry in ClinVar:

NM_052945.4(TNFRSF13C):c.225C>G (p.Pro75=)

Genes: TNFRSF13C (TNF receptor superfamily member 13C; minus strand), LOC130067574 (ATAC-STARR-seq lymphoblastoid silent region 13813; plus strand). Cytogenetic location: 22q13.2.
Variant type: single nucleotide variant.
Coding change: c.225C>G on transcript NM_052945.4 (MANE Select); coding-DNA position 225, C replaced by G.
Protein change: p.Pro75=; no amino-acid change (proline 75 retained).
Molecular consequence: synonymous variant.
Genome position (GRCh38, 1-based): chr22:41,926,243, G>C on the plus strand (C>G on the coding strand, the complement: TNFRSF13C is on the minus strand). VCF-style: chr22-41926243-G-C. GRCh37 (hg19) VCF-style: chr22-42322247-G-C.
Identifiers: ClinVar variation 2140646 (VCV002140646.18), dbSNP rs898980642, ClinGen allele CA324633603.

ClinVar aggregate classification (germline): Likely benign. Review status: criteria provided, multiple submitters, no conflicts (2 of 4 stars). 2 submissions from 2 submitters: Likely benign (2). Last evaluated 2024-11-01.

Conditions:
Immunodeficiency, common variable, 4. Also called: ANTIBODY DEFICIENCY DUE TO BAFFR DEFECT. Identifiers: Orphanet 1572, Orphanet 696925, MedGen C3150739, MONDO:0013284, OMIM 613494.

gnomAD v4.1: 5 of 1,548,296 alleles (0.00032%); highest among the groups gnomAD compares: East Asian, 0.0072%; no homozygotes.

Submissions (2):

CeGaT Center for Human Genetics Tuebingen
Classification: Likely benign. Last evaluated: 2024-11-01. Review status: criteria provided, single submitter. Criteria: CeGaT Center For Human Genetics Tuebingen Variant Classification Criteria Version 2. Collection method: clinical testing. Allele origin: germline. Affected: yes. Observed: 1 variant allele.
Comment: TNFRSF13C: BP4, BP7

Labcorp Genetics (formerly Invitae), Labcorp
Classification: Likely benign for Immunodeficiency, common variable, 4. Last evaluated: 2022-10-25. Review status: criteria provided, single submitter. Criteria: Invitae Variant Classification Sherloc (09022015). Collection method: clinical testing. Allele origin: germline.